The following is an entry in ClinVar:

ClinVar aggregate classification (germline): Uncertain significance (1 of 4 stars; one submission).

Submission:

Women's Health and Genetics/Laboratory Corporation of America, LabCorp
Classification: Uncertain significance. Last evaluated: 2023-11-02. Review status: criteria provided, single submitter. Criteria: LabCorp Variant Classification Summary - May 2015. Collection method: clinical testing. Allele origin: germline.
Comment: Variant summary: GHR c.910_911delinsA (p.Pro304LysfsX16) results in a premature termination codon, predicted to cause a truncation of the encoded protein including the Growth hormone-binding protein domain (IPR025871), but is not expected to result in nonsense mediated decay. No variants downstream of this position have been classified as pathogenic by our laboratory. The variant was absent in 251218 control chromosomes (gnomAD). The available data on variant occurrences in the general population are insufficient to allow any conclusion about variant significance. To our knowledge, no occurrence of c.910_911delinsA in individuals affected with Growth Hormone Insensitivity and no experimental evidence demonstrating its impact on protein function have been reported. No submitters have cited clinical-significance assessments for this variant to ClinVar after 2014. Based on the evidence outlined above, the variant was classified as uncertain significance.

NM_000163.5(GHR):c.910_911delinsA (p.Pro304fs)

Gene: GHR (growth hormone receptor; plus strand). Cytogenetic location: 5p12.
Variant type: Indel.
Coding change: c.910_911delinsA on transcript NM_000163.5 (MANE Select); coding-DNA positions 910 to 911, CC replaced by A.
Protein change: p.Pro304fs; shifts the reading frame from proline 304.
Molecular consequence: frameshift variant. On other transcripts: intron variant (1).
Genome position (GRCh38, 1-based): chr5:42,718,086-42,718,087, CC replaced by A. VCF-style: chr5-42718086-CC-A. GRCh37 (hg19) VCF-style: chr5-42718188-CC-A.
Other names: c.931_932delinsA, p.Pro311fs (NM_001242399.2); c.910_911delinsA, p.Pro304fs (NM_001242400.2, NM_001242401.4, NM_001242402.2 and 4 more transcripts); c.844_845delCCinsA, p.Pro282Lysfs (NM_001242460.2); c.876-367_876-366delinsA (NM_001242462.1); short protein forms P282fs, P304fs, P311fs.
Identifiers: ClinVar variation 2682445 (VCV002682445.1), dbSNP rs2530774180, ClinGen allele CA2697547155.